The following is an entry in ClinVar:

NM_006033.4(LIPG):c.1482-6T>C

Gene: LIPG (lipase G, endothelial type; plus strand). Cytogenetic location: 18q21.1.
Variant type: single nucleotide variant.
Coding change: c.1482-6T>C on transcript NM_006033.4 (MANE Select); 6 bases into the intron before coding-DNA position 1482, T replaced by C.
Molecular consequence: intron variant.
Genome position (GRCh38, 1-based): chr18:49,590,495, T>C. VCF-style: chr18-49590495-T-C. GRCh37 (hg19) VCF-style: chr18-47116865-T-C.
Other names: c.1260-6T>C (NM_001308006.2).
Identifiers: ClinVar variation 2870388 (VCV002870388.3), dbSNP rs745612934, ClinGen allele CA8959434.

ClinVar aggregate classification (germline): Uncertain significance (1 of 4 stars; one submission).

Allele frequency attached by ClinVar (database versions not stated): gnomAD exomes 0.00001; ExAC 0.00005.
gnomAD v4.1: 3 of 1,602,182 alleles (0.00019%); highest among the groups gnomAD compares: Admixed American, 0.0034%; no homozygotes.

Submission:

Labcorp Genetics (formerly Invitae), Labcorp
Classification: Uncertain significance. Last evaluated: 2023-06-20. Review status: criteria provided, single submitter. Criteria: Invitae Variant Classification Sherloc (09022015). Collection method: clinical testing. Allele origin: germline.
Comment: In summary, the available evidence is currently insufficient to determine the role of this variant in disease. Therefore, it has been classified as a Variant of Uncertain Significance. Algorithms developed to predict the effect of sequence changes on RNA splicing suggest that this variant may disrupt the consensus splice site. This variant has not been reported in the literature in individuals affected with LIPG-related conditions. This variant is present in population databases (rs745612934, gnomAD 0.006%). This sequence change falls in intron 9 of the LIPG gene. It does not directly change the encoded amino acid sequence of the LIPG protein.